The following is an entry in ClinVar:

ClinVar aggregate classification (germline): Uncertain significance (1 of 4 stars; one submission).

Conditions:
Carney complex, type 1 (CNC1). Also called: CARNEY COMPLEX, TYPE I; CARNEY MYXOMA-ENDOCRINE COMPLEX. Identifiers: Orphanet 1359, MedGen C2607929, MONDO:0008057, OMIM 160980.

Submission:

Labcorp Genetics (formerly Invitae), Labcorp
Classification: Uncertain significance for Carney complex, type 1. Last evaluated: 2025-03-14. Review status: criteria provided, single submitter. Criteria: Invitae Variant Classification Sherloc (09022015). Collection method: clinical testing. Allele origin: germline.
Comment: This sequence change replaces valine, which is neutral and non-polar, with alanine, which is neutral and non-polar, at codon 194 of the PRKAR1A protein (p.Val194Ala). This variant is not present in population databases (gnomAD no frequency). This variant has not been reported in the literature in individuals affected with PRKAR1A-related conditions. Invitae Evidence Modeling of protein sequence and biophysical properties (such as structural, functional, and spatial information, amino acid conservation, physicochemical variation, residue mobility, and thermodynamic stability) indicates that this missense variant is not expected to disrupt PRKAR1A protein function with a negative predictive value of 95%. In summary, the available evidence is currently insufficient to determine the role of this variant in disease. Therefore, it has been classified as a Variant of Uncertain Significance.

NM_002734.5(PRKAR1A):c.581T>C (p.Val194Ala)

Gene: PRKAR1A (protein kinase cAMP-dependent type I regulatory subunit alpha; plus strand). Cytogenetic location: 17q24.2.
Variant type: single nucleotide variant.
Coding change: c.581T>C on transcript NM_002734.5 (MANE Select); coding-DNA position 581, T replaced by C.
Protein change: p.Val194Ala; replaces valine 194 with alanine.
Molecular consequence: missense variant.
Genome position (GRCh38, 1-based): chr17:68,525,785, T>C. VCF-style: chr17-68525785-T-C. GRCh37 (hg19) VCF-style: chr17-66521926-T-C.
Other names: c.581T>C, p.Val194Ala (NM_001276289.2, NM_001276290.1, NM_001278433.2 and 4 more transcripts); short protein forms V194A.
Identifiers: ClinVar variation 4709598 (VCV004709598.1).